The following is an entry in ClinVar:

ClinVar aggregate classification (germline): Conflicting classifications of pathogenicity. Review status: criteria provided, conflicting classifications (1 of 4 stars). 17 submissions from 17 submitters: Pathogenic (4); Likely pathogenic (8); Uncertain significance (4). 1 of the submissions does not count toward it. Last evaluated 2026-06-29.

Conditions:
Developmental and epileptic encephalopathy, 75. Also called: EPILEPTIC ENCEPHALOPATHY, EARLY INFANTILE, 75. Identifiers: MedGen C5193099, MONDO:0032752, OMIM 618437.
PARS2-related disorder.
Inborn genetic diseases. Identifiers: MedGen C0950123, MeSH D030342.

Allele frequency attached by ClinVar (database versions not stated): ESP Exome Variant Server 0.00092; 1000 Genomes Project 30x 0.00094; 1000 Genomes Project 0.00100; ExAC 0.00106; gnomAD exomes 0.00106 and 0.00174; gnomAD 0.00121 and 0.00128; TOPMed 0.00149.

Submissions (17):

Laboratory of Medical Genetics, University of Torino
Classification: Pathogenic for Developmental and epileptic encephalopathy, 75. Last evaluated: 2026-06-29. Review status: criteria provided, single submitter. Criteria: ACMG Guidelines, 2015. Collection method: clinical testing. Allele origin: paternal. Affected: yes.

Women's Health and Genetics/Laboratory Corporation of America, LabCorp
Classification: Pathogenic for Developmental and epileptic encephalopathy, 75. Last evaluated: 2026-01-14. Review status: criteria provided, single submitter. Criteria: LabCorp Variant Classification Summary - May 2015. Collection method: clinical testing. Allele origin: germline.
Comment: Variant summary: PARS2 c.1091C>G (p.Pro364Arg) results in a non-conservative amino acid change located in the Aminoacyl-tRNA synthetase, class II domain (IPR006195) of the encoded protein sequence. Algorithms developed to predict the effect of missense changes on protein structure and function all suggest that this variant is likely to be disruptive. The variant allele was found at a frequency of 0.0011 in 250554 control chromosomes. This frequency is not significantly higher than estimated for disease-causing variants in PARS2, allowing no conclusion about variant significance. c.1091C>G has been reported in the literature in individuals with clinical features of PARS2-related Developmental And Epileptic Encephalopathy 75 (e.g. Pronicka_2016, Ciara_2018, Costain_2019, A Almuqbil _2020, Licchetta_2024, Gerard_2024). These data indicate that the variant is very likely to be associated with disease. The following publications have been ascertained in the context of this evaluation (PMID: 32514400, 32071833, 29410512, 31487502, 27348859, 30237576, 27290639, 29915213, 38087948, 38469956). ClinVar contains an entry for this variant (Variation ID: 632566). Based on the evidence outlined above, the variant was classified as pathogenic.

Labcorp Genetics (formerly Invitae), Labcorp
Classification: Pathogenic. Last evaluated: 2025-12-15. Review status: criteria provided, single submitter. Criteria: Invitae Variant Classification Sherloc (09022015). Collection method: clinical testing. Allele origin: germline.
Comment: This sequence change replaces proline, which is neutral and non-polar, with arginine, which is basic and polar, at codon 364 of the PARS2 protein (p.Pro364Arg). This variant is present in population databases (rs35201073, gnomAD 0.2%), and has an allele count higher than expected for a pathogenic variant. This missense change has been observed in individual(s) with clinical features of early infantile epileptic encephalopathy (PMID: 27290639, 29410512, 32071833, 32514400). In at least one individual the data is consistent with being in trans (on the opposite chromosome) from a pathogenic variant. It has also been observed to segregate with disease in related individuals. ClinVar contains an entry for this variant (Variation ID: 632566). An algorithm developed to predict the effect of missense changes on protein structure and function (PolyPhen-2) suggests that this variant is likely to be disruptive. For these reasons, this variant has been classified as Pathogenic.

Dasa
Classification: Likely pathogenic for Developmental and epileptic encephalopathy, 75. Last evaluated: 2025-10-04. Review status: criteria provided, single submitter. Criteria: DASA Assertion Criteria. Collection method: clinical testing. Allele origin: germline.
Comment: NM_152268.4(PARS2):c.1091C>G (p.Pro364Arg) is a missense variant that results in the substitution of proline with arginine. Segregation data support an association with disease in the reported family/families (PMID: 29410512). This variant has been recurrently observed in individuals with PARS2-related disorders (PMID: 27290639; PMID: 29410512; PMID: 32071833; PMID: 32514400). Also, this variant is rare in population databases. Computational evidence supports a deleterious effect. Based on the currently available evidence, this variant is classified as likely pathogenic.

CeGaT Center for Human Genetics Tuebingen
Classification: Likely pathogenic. Last evaluated: 2025-10-01. Review status: criteria provided, single submitter. Criteria: CeGaT Center For Human Genetics Tuebingen Variant Classification Criteria Version 2. Collection method: clinical testing. Allele origin: germline. Affected: yes. Observed: 3 variant alleles.
Comment: PARS2: PM3:Strong, PM2, PP1

GeneDx
Classification: Uncertain significance. Last evaluated: 2025-09-15. Review status: criteria provided, single submitter. Criteria: GeneDx Variant Classification Process June 2021. Collection method: clinical testing. Allele origin: germline. Affected: yes.
Comment: In silico analysis supports that this missense variant has a deleterious effect on protein structure/function; This variant is associated with the following publications: (PMID: 32071833, 34426522, 32514400, 29915213, 31487502, 33339579, 38087948, 38469956, 27348859, 30237576, 29410512, 27290639, 37956963)

Variantyx, Inc.
Classification: Likely pathogenic for Developmental and epileptic encephalopathy, 75. Last evaluated: 2025-07-24. Review status: criteria provided, single submitter. Criteria: Variantyx Assertion Criteria 2022. Collection method: clinical testing. Allele origin: germline. Inheritance: Autosomal recessive inheritance. Affected: no.
Comment: This is a nonsynonymous variant in the PARS2 gene (OMIM: 612036). Pathogenic variants in this gene have been associated with autosomal recessive developmental and epileptic encephalopathy 75. This variant has been identified in the compound heterozygous state in multiple individuals reported in the published literature (PMID: 27290639, 32514400, 38087948, 29410512, 31487502, 32071833) (PM3_Strong). This variant has been observed to segregate with disease in at least 2 individuals from 1 familiy (PMID: 29410512) (PP1). Multiple computational algorithms predict a deleterious effect for this variant (REVEL score: 0.825) (PP3). This variant has a 0.2091% maximum allele frequency in non-founder control populations. Based on the current evidence, this variant is classified as likely pathogenic for autosomal recessive developmental and epileptic encephalopathy 75.No other variant of clinical significance was identified in the PARS2 gene.

Revvity Omics, Revvity
Classification: Uncertain significance for Developmental and epileptic encephalopathy, 75. Last evaluated: 2025-06-25. Review status: criteria provided, single submitter. Criteria: ACMG Guidelines, 2015. Collection method: clinical testing. Allele origin: germline.

Blueprint Genetics
Classification: Likely pathogenic for PARS2-related disorders. Last evaluated: 2024-11-14. Review status: criteria provided, single submitter. Criteria: ACMG Guidelines, 2015. Collection method: clinical testing. Allele origin: germline. Affected: yes. Observed: 5 variant alleles.

Mayo Clinic Laboratories, Mayo Clinic
Classification: Likely pathogenic. Last evaluated: 2024-02-13. Review status: criteria provided, single submitter. Criteria: ACMG Guidelines, 2015. Collection method: clinical testing. Allele origin: germline. Observed: 2 variant alleles.
Comment: PP1, PP3, PM3_supporting, PS4

Baylor Genetics
Classification: Pathogenic for Developmental and epileptic encephalopathy, 75. Last evaluated: 2023-05-08. Review status: criteria provided, single submitter. Criteria: ACMG Guidelines, 2015. Collection method: clinical testing. Allele origin: unknown.

Department of Pathology and Laboratory Medicine, Sinai Health System
Classification: Likely pathogenic for Developmental and epileptic encephalopathy, 75. Last evaluated: 2023-05-08. Review status: criteria provided, single submitter. Criteria: ACMG Guidelines, 2015. Collection method: research. Allele origin: germline.

Victorian Clinical Genetics Services, Murdoch Childrens Research Institute
Classification: Likely pathogenic for Developmental and epileptic encephalopathy, 75. Last evaluated: 2022-02-02. Review status: criteria provided, single submitter. Criteria: ACMG Guidelines, 2015. Collection method: clinical testing. Allele origin: germline. Inheritance: Autosomal recessive inheritance.
Comment: Based on the classification scheme VCGS_Germline_v1.3.4, this variant is classified as Likely Pathogenic. Following criteria are met: 0102 - Loss of function is a likely mechanism of disease in this gene and is associated with developmental and epileptic encephalopathy 75 (MIM#618437). (I) 0106 - This gene is associated with autosomal recessive disease. (I) 0200 - Variant is predicted to result in a missense amino acid change from proline to arginine. (I) 0251 - This variant is heterozygous. (I) 0304 - Variant is present in gnomAD (v2) <0.01 for a recessive condition (295 heterozygotes, 0 homozygotes). (SP) 0501 - Missense variant consistently predicted to be damaging by multiple in silico tools or highly conserved with a major amino acid change. (SP) 0604 - Variant is not located in an established domain, motif, hotspot or informative constraint region. (I) 0705 - No comparable missense variants have previous evidence for pathogenicity. (I) 0808 - Previous reports of pathogenicity for this variant are conflicting. This variant has been recently reported as a VUS (ClinVar), but also as pathogenic and likely pathogenic, and observed in at least four unrelated compound heterozygous individuals with mitochondrial disease or PARS2 deficiency (LOVD, PMID: 32514400, PMID: 29410512, PMID: 27290639, PMID: 32071833). (I) 0903 - This variant has limited evidence for segregation with disease. It was observed in three affected siblings with mitochondrial disease (PMID: 29410512). (SP) 1007 - No published functional evidence has been identified for this variant. (I) 1208 - Inheritance information for this variant is not currently available in this individual. (I) Legend: (SP) - Supporting pathogenic, (I) - Information, (SB) - Supporting benign

Ambry Genetics
Classification: Uncertain significance for Inborn genetic diseases. Last evaluated: 2021-11-08. Review status: criteria provided, single submitter. Criteria: Ambry Variant Classification Scheme 2023. Collection method: clinical testing. Allele origin: germline.

SIB Swiss Institute of Bioinformatics
Classification: Uncertain significance for Developmental and epileptic encephalopathy, 75. Last evaluated: 2019-10-01. Review status: criteria provided, single submitter. Criteria: ACMG Guidelines, 2015. Collection method: curation. Allele origin: unknown.
Comment: This variant is interpreted as a variant of uncertain significance for Epileptic encephalopathy, early infantile, 75, autosomal recessive. The following ACMG Tag(s) were applied: PP1-Moderate, PP3.

Solve-RD Consortium
Classification: Likely pathogenic for Developmental and epileptic encephalopathy, 75. Review status: criteria provided, single submitter. Criteria: ACMG Guidelines, 2015. Collection method: provider interpretation. Allele origin: germline. Inheritance: Autosomal recessive inheritance. Affected: yes. Study: Solve-RD DIFT-EpiCARE reanalysis.
Comment: PP1, PM2, PP3

Variant identified during reanalysis of unsolved cases by the Solve-RD project. The Solve-RD project has received funding from the European Union’s Horizon 2020 research and innovation programme under grant agreement No 779257.

OMIM
Classification: Pathogenic for DEVELOPMENTAL AND EPILEPTIC ENCEPHALOPATHY 75. Last evaluated: 2020-11-25. Review status: no assertion criteria provided. Collection method: literature only. Allele origin: germline. Not counted in ClinVar's aggregate classification.

Literature cited by the submitters: PubMed 27290639 (cited by 8 submitters); PubMed 32514400 (cited by 7 submitters); PubMed 32071833 (cited by 7 submitters); PubMed 29410512 (cited by 8 submitters); PubMed 31487502 (cited by 3 submitters); PubMed 27348859 (cited by Women's Health and Genetics/Laboratory Corporation of America, LabCorp); PubMed 30237576 (cited by Women's Health and Genetics/Laboratory Corporation of America, LabCorp); PubMed 29915213 (cited by Women's Health and Genetics/Laboratory Corporation of America, LabCorp and Mayo Clinic Laboratories, Mayo Clinic); PubMed 38469956 (cited by Women's Health and Genetics/Laboratory Corporation of America, LabCorp); PubMed 38087948 (cited by 3 submitters); PubMed 33339579 (cited by Mayo Clinic Laboratories, Mayo Clinic); PubMed 34484863 (cited by Mayo Clinic Laboratories, Mayo Clinic); PubMed 37956963 (cited by Mayo Clinic Laboratories, Mayo Clinic).

NM_152268.4(PARS2):c.1091C>G (p.Pro364Arg)

Gene: PARS2 (prolyl-tRNA synthetase 2, mitochondrial; minus strand). Cytogenetic location: 1p32.3.
Variant type: single nucleotide variant.
Coding change: c.1091C>G on transcript NM_152268.4 (MANE Select); coding-DNA position 1091, C replaced by G.
Protein change: p.Pro364Arg; replaces proline 364 with arginine.
Molecular consequence: missense variant.
Genome position (GRCh38, 1-based): chr1:54,758,071, G>C on the plus strand (C>G on the coding strand, the complement: PARS2 is on the minus strand). VCF-style: chr1-54758071-G-C. GRCh37 (hg19) VCF-style: chr1-55223744-G-C.
Other names: p.Pro364Arg; short protein forms P364R.
Identifiers: ClinVar variation 632566 (VCV000632566.51), dbSNP rs35201073, ClinGen allele CA869362.